The following is an entry in ClinVar:

ClinVar aggregate classification (germline): Uncertain significance (1 of 4 stars; one submission).

Submission:

GeneDx
Classification: Uncertain significance. Last evaluated: 2025-08-11. Review status: criteria provided, single submitter. Criteria: GeneDx Variant Classification Process June 2021. Collection method: clinical testing. Allele origin: germline. Affected: yes.
Comment: Not observed at significant frequency in large population cohorts (gnomAD); In silico analysis suggests that this missense variant does not alter protein structure/function; Has not been previously published as pathogenic or benign to our knowledge

NM_015030.2(FRYL):c.4853G>A (p.Ser1618Asn)

Gene: FRYL (FRY like transcription coactivator; minus strand). Cytogenetic location: 4p11.
Variant type: single nucleotide variant.
Coding change: c.4853G>A on transcript NM_015030.2 (MANE Select); coding-DNA position 4853, G replaced by A.
Protein change: p.Ser1618Asn; replaces serine 1618 with asparagine.
Molecular consequence: missense variant.
Genome position (GRCh38, 1-based): chr4:48,548,725, C>T on the plus strand (G>A on the coding strand, the complement: FRYL is on the minus strand). VCF-style: chr4-48548725-C-T. GRCh37 (hg19) VCF-style: chr4-48550742-C-T.
Other names: short protein forms S1618N.
Identifiers: ClinVar variation 4795724 (VCV004795724.1).